The following is an entry in ClinVar:

NM_001164508.2(NEB):c.19756A>G (p.Lys6586Glu)

Gene: NEB (nebulin; minus strand). Cytogenetic location: 2q23.3.
Variant type: single nucleotide variant.
Coding change: c.19756A>G on transcript NM_001164508.2 (MANE Select); coding-DNA position 19756, A replaced by G.
Protein change: p.Lys6586Glu; replaces lysine 6586 with glutamic acid.
Molecular consequence: missense variant.
Genome position (GRCh38, 1-based): chr2:151,552,752, T>C on the plus strand (A>G on the coding strand, the complement: NEB is on the minus strand). VCF-style: chr2-151552752-T-C. GRCh37 (hg19) VCF-style: chr2-152409266-T-C.
Other names: c.19756A>G, p.Lys6586Glu (NM_001164507.2, NM_001271208.2); c.14653A>G, p.Lys4885Glu (NM_004543.5); short protein forms K6586E, K4885E.
Identifiers: ClinVar variation 1498694 (VCV001498694.8), dbSNP rs2153653983, ClinGen allele CA348788056.

ClinVar aggregate classification (germline): Uncertain significance (1 of 4 stars; one submission).

Conditions:
Nemaline myopathy 2 (NEM2). Also called: Nemaline myopathy 2, autosomal recessive. Identifiers: MedGen C1850569, MONDO:0009725, OMIM 256030.

gnomAD v4.1: 1 of 1,613,086 alleles (0.000062%); highest among the groups gnomAD compares: African/African-American, 0.0013%; no homozygotes.

Submission:

Labcorp Genetics (formerly Invitae), Labcorp
Classification: Uncertain significance for Nemaline myopathy 2. Last evaluated: 2022-02-08. Review status: criteria provided, single submitter. Criteria: Invitae Variant Classification Sherloc (09022015). Collection method: clinical testing. Allele origin: germline.
Comment: In summary, the available evidence is currently insufficient to determine the role of this variant in disease. Therefore, it has been classified as a Variant of Uncertain Significance. Algorithms developed to predict the effect of missense changes on protein structure and function are either unavailable or do not agree on the potential impact of this missense change (SIFT: "Deleterious"; PolyPhen-2: "Not Available"; Align-GVGD: "Class C0"). This variant has not been reported in the literature in individuals affected with NEB-related conditions. This variant is not present in population databases (gnomAD no frequency). This sequence change replaces lysine, which is basic and polar, with glutamic acid, which is acidic and polar, at codon 6586 of the NEB protein (p.Lys6586Glu).